The following is an entry in ClinVar:

NM_005732.4(RAD50):c.1052-19G>T

Gene: RAD50 (RAD50 double strand break repair protein; plus strand). Cytogenetic location: 5q31.1.
Variant type: single nucleotide variant.
Coding change: c.1052-19G>T on transcript NM_005732.4 (MANE Select); 19 bases into the intron before coding-DNA position 1052, G replaced by T.
Molecular consequence: intron variant.
Genome position (GRCh38, 1-based): chr5:132,588,668, G>T. VCF-style: chr5-132588668-G-T. GRCh37 (hg19) VCF-style: chr5-131924360-G-T.
Identifiers: ClinVar variation 1997188 (VCV001997188.4), dbSNP rs2149840984, ClinGen allele CA2580072686.

ClinVar aggregate classification (germline): Uncertain significance (1 of 4 stars; one submission).

Conditions:
Hereditary cancer-predisposing syndrome. Also called: Neoplastic Syndromes, Hereditary; Hereditary neoplastic syndrome; Tumor predisposition; Hereditary Cancer Syndrome. Identifiers: Orphanet 140162, MedGen C0027672, MeSH D009386, MONDO:0015356.

Submission:

Labcorp Genetics (formerly Invitae), Labcorp
Classification: Uncertain significance for Hereditary cancer-predisposing syndrome. Last evaluated: 2022-05-29. Review status: criteria provided, single submitter. Criteria: Invitae Variant Classification Sherloc (09022015). Collection method: clinical testing. Allele origin: germline.
Comment: This sequence change falls in intron 7 of the RAD50 gene. It does not directly change the encoded amino acid sequence of the RAD50 protein. This variant is not present in population databases (gnomAD no frequency). This variant has not been reported in the literature in individuals affected with RAD50-related conditions. Algorithms developed to predict the effect of sequence changes on RNA splicing suggest that this variant may create or strengthen a splice site. In summary, the available evidence is currently insufficient to determine the role of this variant in disease. Therefore, it has been classified as a Variant of Uncertain Significance.